The following is an entry in ClinVar:

NM_001374259.2(IL12RB2):c.197A>G (p.Asn66Ser)

Gene: IL12RB2 (interleukin 12 receptor subunit beta 2; plus strand). Cytogenetic location: 1p31.3.
Variant type: single nucleotide variant.
Coding change: c.197A>G on transcript NM_001374259.2 (MANE Select); coding-DNA position 197, A replaced by G.
Protein change: p.Asn66Ser; replaces asparagine 66 with serine.
Molecular consequence: missense variant. On other transcripts: non-coding transcript variant (2).
Genome position (GRCh38, 1-based): chr1:67,321,722, A>G. VCF-style: chr1-67321722-A-G. GRCh37 (hg19) VCF-style: chr1-67787405-A-G.
Other names: c.197A>G, p.Asn66Ser (NM_001258214.1, NM_001258215.1, NM_001258216.1 and 2 more transcripts); short protein forms N66S.
Identifiers: ClinVar variation 1440967 (VCV001440967.8), dbSNP rs142497181, ClinGen allele CA23495519.

ClinVar aggregate classification (germline): Uncertain significance (1 of 4 stars; one submission).

gnomAD v4.1: 11 of 1,612,254 alleles (0.00068%); highest among the groups gnomAD compares: Non-Finnish European, 0.00085%; no homozygotes.

Submission:

Labcorp Genetics (formerly Invitae), Labcorp
Classification: Uncertain significance. Last evaluated: 2024-10-17. Review status: criteria provided, single submitter. Criteria: Invitae Variant Classification Sherloc (09022015). Collection method: clinical testing. Allele origin: germline.
Comment: This sequence change replaces asparagine, which is neutral and polar, with serine, which is neutral and polar, at codon 66 of the IL12RB2 protein (p.Asn66Ser). This variant is present in population databases (rs142497181, gnomAD 0.0009%). This variant has not been reported in the literature in individuals affected with IL12RB2-related conditions. ClinVar contains an entry for this variant (Variation ID: 1440967). An algorithm developed to predict the effect of missense changes on protein structure and function (PolyPhen-2) suggests that this variant is likely to be tolerated. In summary, the available evidence is currently insufficient to determine the role of this variant in disease. Therefore, it has been classified as a Variant of Uncertain Significance.